The following is an entry in ClinVar:

NM_021870.3(FGG):c.997C>G (p.His333Asp)

Gene: FGG (fibrinogen gamma chain; minus strand). Cytogenetic location: 4q32.1.
Variant type: single nucleotide variant.
Coding change: c.997C>G on transcript NM_021870.3 (MANE Select); coding-DNA position 997, C replaced by G.
Protein change: p.His333Asp; replaces histidine 333 with aspartic acid.
Molecular consequence: missense variant.
Genome position (GRCh38, 1-based): chr4:154,606,837, G>C on the plus strand (C>G on the coding strand, the complement: FGG is on the minus strand). VCF-style: chr4-154606837-G-C. GRCh37 (hg19) VCF-style: chr4-155527989-G-C.
Other names: p.His333Asp; c.997C>G, p.His333Asp (NM_000509.6); c.997C>G (NM_000509.5); short protein forms H333D.
Identifiers: ClinVar variation 3902683 (VCV003902683.2).
Genomic context (GRCh38, chr4:154,606,837, plus strand): 5'-CACAGTTGCCTTCAAACTTATCATTGTCATTGTCCCAGGTACTGAACTGCATGCCATTAT[G>C]GGATGTGAAAAACTTGTCACTAGGATCATCGCCAAAATCAAAGCCATCAAAGGCATCTCC-3'
Protein context (NP_068656.2, residues 323-343): DDPSDKFFTS[His333Asp]NGMQFSTWDN

ClinVar aggregate classification (germline): Conflicting classifications of pathogenicity. Review status: criteria provided, conflicting classifications (1 of 4 stars). 2 submissions from 2 submitters: Pathogenic (1); Uncertain significance (1). Last evaluated 2025-06-20.

Submissions (2):

Mayo Clinic Laboratories, Mayo Clinic
Classification: Pathogenic. Last evaluated: 2025-06-20. Review status: criteria provided, single submitter. Criteria: ACMG Guidelines, 2015. Collection method: clinical testing. Allele origin: germline. Observed: 1 variant allele.
Comment: PP3_strong, PP4, PM1, PM2_supporting, PM5

Women's Health and Genetics/Laboratory Corporation of America, LabCorp
Classification: Uncertain significance. Last evaluated: 2025-05-27. Review status: criteria provided, single submitter. Criteria: LabCorp Variant Classification Summary - May 2015. Collection method: clinical testing. Allele origin: germline.
Comment: Variant summary: FGG c.997C>G (p.His333Asp) results in a non-conservative amino acid change in the encoded protein sequence. Algorithms developed to predict the effect of missense changes on protein structure and function all suggest that this variant is likely to be disruptive. The variant was absent in 251356 control chromosomes. The available data on variant occurrences in the general population are insufficient to allow any conclusion about variant significance. To our knowledge, no occurrence of c.997C>G in individuals affected with Congenital Dysfibrinogenemia and no experimental evidence demonstrating its impact on protein function have been reported. No submitters have cited clinical-significance assessments for this variant to ClinVar. Based on the evidence outlined above, the variant was classified as uncertain significance.